The following is an entry in ClinVar:

ClinVar aggregate classification (germline): Uncertain significance. Review status: criteria provided, multiple submitters, no conflicts (2 of 4 stars). 2 submissions from 2 submitters: Uncertain significance (2). Last evaluated 2022-03-14.

Conditions:
Renal dysplasia, cystic, susceptibility to. Identifiers: MedGen C3275898, MONDO:0011037, OMIM 601331.

Allele frequency attached by ClinVar (database versions not stated): ExAC 0.00001; gnomAD 0.00001; gnomAD exomes 0.00002; TOPMed 0.00005.
gnomAD v4.1: 11 of 1,609,362 alleles (0.00068%); highest among the groups gnomAD compares: Admixed American, 0.015%; no homozygotes.

Submissions (2):

Fulgent Genetics
Classification: Uncertain significance for Renal dysplasia, cystic, susceptibility to. Last evaluated: 2022-03-14. Review status: criteria provided, single submitter. Criteria: ACMG Guidelines, 2015. Collection method: clinical testing. Allele origin: unknown.

GeneDx
Classification: Uncertain significance. Last evaluated: 2019-09-23. Review status: criteria provided, single submitter. Criteria: GeneDx Variant Classification Process June 2021. Collection method: clinical testing. Allele origin: germline. Affected: yes.
Comment: Not observed at a significant frequency in large population cohorts (Lek et al., 2016); In silico analysis, which includes protein predictors and evolutionary conservation, supports a deleterious effect; Has not been previously published as pathogenic or benign to our knowledge

NM_001080512.3(BICC1):c.1910C>A (p.Ser637Tyr)

Gene: BICC1 (BicC family RNA binding protein 1; plus strand). Cytogenetic location: 10q21.1.
Variant type: single nucleotide variant.
Coding change: c.1910C>A on transcript NM_001080512.3 (MANE Select); coding-DNA position 1910, C replaced by A.
Protein change: p.Ser637Tyr; replaces serine 637 with tyrosine.
Molecular consequence: missense variant.
Genome position (GRCh38, 1-based): chr10:58,800,941, C>A. VCF-style: chr10-58800941-C-A. GRCh37 (hg19) VCF-style: chr10-60560701-C-A.
Other names: short protein forms S637Y.
Identifiers: ClinVar variation 1312346 (VCV001312346.3), dbSNP rs750664643, ClinGen allele CA5508644.